The following is an entry in ClinVar:

NM_004646.4(NPHS1):c.741G>A (p.Trp247Ter)

Gene: NPHS1 (NPHS1 adhesion molecule, nephrin; minus strand). Cytogenetic location: 19q13.12.
Variant type: single nucleotide variant.
Coding change: c.741G>A on transcript NM_004646.4 (MANE Select); coding-DNA position 741, G replaced by A.
Protein change: p.Trp247Ter; replaces tryptophan 247 with a stop codon.
Molecular consequence: nonsense.
Genome position (GRCh38, 1-based): chr19:35,849,335, C>T on the plus strand (G>A on the coding strand, the complement: NPHS1 is on the minus strand). VCF-style: chr19-35849335-C-T. GRCh37 (hg19) VCF-style: chr19-36340237-C-T.
Other names: short protein forms W247*.
Identifiers: ClinVar variation 3629924 (VCV003629924.2).
Genomic context (GRCh38, chr19:35,849,335, plus strand): 5'-GGCCACGCACGGCAGCTCCAAGCTCTGTCCTGCCCGCACGTGCCCCTCATCCAGGCCTGG[C>T]CACTCGATGACAGGGGGTCCTGGAGGGACTGGGGGATATCAGTCACTCAGTGGGCCTGGA-3'

ClinVar aggregate classification (germline): Pathogenic. Review status: criteria provided, multiple submitters, no conflicts (2 of 4 stars). 2 submissions from 2 submitters: Pathogenic (2). Last evaluated 2024-11-22.

Conditions:
Finnish congenital nephrotic syndrome (NPHS1). Also called: NEPHROTIC SYNDROME, TYPE 1. Identifiers: Orphanet 839, MedGen C0403399, MONDO:0009732, OMIM 256300.

Submissions (2):

Women's Health and Genetics/Laboratory Corporation of America, LabCorp
Classification: Pathogenic for Finnish congenital nephrotic syndrome. Last evaluated: 2024-11-22. Review status: criteria provided, single submitter. Criteria: LabCorp Variant Classification Summary - May 2015. Collection method: clinical testing. Allele origin: germline.
Comment: Variant summary: NPHS1 c.741G>A (p.Trp247X) results in a premature termination codon, predicted to cause absence of the protein due to nonsense mediated decay, which is a commonly known mechanism for disease. The variant was absent in 248858 control chromosomes. c.741G>A has been reported in the literature in at-least one individual affected with Nephrotic Syndrome, Type 1 (example, Rong_2021). To our knowledge, no experimental evidence demonstrating an impact on protein function has been reported. The following publication has been ascertained in the context of this evaluation (PMID: 34859019). No submitters have cited clinical-significance assessments for this variant to ClinVar. Based on the evidence outlined above, the variant was classified as pathogenic.

Natera, Inc.
Classification: Pathogenic for Finnish congenital nephrotic syndrome. Last evaluated: 2024-08-21. Review status: criteria provided, single submitter. Criteria: Natera Variant Classification Schema (03/2026). Collection method: clinical testing. Allele origin: germline.
Comment: The c.741G>A variant in NPHS1 is a nonsense variant predicted to introduce a stop codon at amino acid 247. This variant is expected to result in nonsense mediated decay, truncation, or a dysfunctional protein product. This variant is rare in the general population with a frequency below the threshold expected for the associated phenotype(s). This variant has been observed in one or more individuals affected with the associated recessive disease, as either homozygous or compound heterozygous with a second variant (PMID: 34859019). Given the available evidence, this variant is classified as Pathogenic.

Literature cited by the submitters: PubMed 34859019 (cited by Women's Health and Genetics/Laboratory Corporation of America, LabCorp and Natera, Inc.).